The following is an entry in ClinVar:

ClinVar aggregate classification (germline): Likely benign (1 of 4 stars; one submission).

gnomAD v4.1: 121 of 1,592,058 alleles (0.0076%); highest among the groups gnomAD compares: African/African-American, 0.012%; no homozygotes.

Submission:

CeGaT Center for Human Genetics Tuebingen
Classification: Likely benign. Last evaluated: 2025-09-01. Review status: criteria provided, single submitter. Criteria: CeGaT Center For Human Genetics Tuebingen Variant Classification Criteria Version 2. Collection method: clinical testing. Allele origin: germline. Affected: yes. Observed: 1 variant allele.
Comment: MUC5B: BP4

NM_002458.3(MUC5B):c.1054G>A (p.Ala352Thr)

Gene: MUC5B (mucin 5B, oligomeric mucus/gel-forming; plus strand). Cytogenetic location: 11p15.5.
Variant type: single nucleotide variant.
Coding change: c.1054G>A on transcript NM_002458.3 (MANE Select); coding-DNA position 1054, G replaced by A.
Protein change: p.Ala352Thr; replaces alanine 352 with threonine.
Molecular consequence: missense variant.
Genome position (GRCh38, 1-based): chr11:1,229,247, G>A. VCF-style: chr11-1229247-G-A. GRCh37 (hg19) VCF-style: chr11-1250477-G-A.
Other names: short protein forms A352T.
Identifiers: ClinVar variation 4281174 (VCV004281174.7).